The following is an entry in ClinVar:

NM_004304.5(ALK):c.4343C>T (p.Ser1448Phe)

Gene: ALK (ALK receptor tyrosine kinase; minus strand). Cytogenetic location: 2p23.2.
Variant type: single nucleotide variant.
Coding change: c.4343C>T on transcript NM_004304.5 (MANE Select); coding-DNA position 4343, C replaced by T.
Protein change: p.Ser1448Phe; replaces serine 1448 with phenylalanine.
Molecular consequence: missense variant.
Genome position (GRCh38, 1-based): chr2:29,193,744, G>A on the plus strand (C>T on the coding strand, the complement: ALK is on the minus strand). VCF-style: chr2-29193744-G-A. GRCh37 (hg19) VCF-style: chr2-29416610-G-A.
Other names: c.1139C>T, p.Ser380Phe (NM_001353765.2); short protein forms S1448F, S380F.
Identifiers: ClinVar variation 470871 (VCV000470871.11), dbSNP rs1553387094, ClinGen allele CA346462550.

ClinVar aggregate classification (germline): Conflicting classifications of pathogenicity. Review status: criteria provided, conflicting classifications (1 of 4 stars). 3 submissions from 3 submitters: Uncertain significance (1); Benign (1); Likely benign (1). Last evaluated 2026-08-20.

Conditions:
Ovarian cancer. Also called: OVARIAN CANCER, SOMATIC. Identifiers: Orphanet 213500, MedGen C1140680, MONDO:0008170, OMIM 167000.
Neuroblastoma, susceptibility to, 3. Also called: ALK-Related Neuroblastic Tumor Susceptibility. Identifiers: Orphanet 635, MedGen C2751681, MONDO:0013083, OMIM 613014.
Hereditary cancer-predisposing syndrome. Also called: Neoplastic Syndromes, Hereditary; Hereditary neoplastic syndrome; Hereditary Cancer Syndrome; Tumor predisposition. Identifiers: Orphanet 140162, MedGen C0027672, MeSH D009386, MONDO:0015356.

Submissions (3):

Ambry Genetics
Classification: Likely benign for Hereditary cancer-predisposing syndrome. Last evaluated: 2026-08-20. Review status: criteria provided, single submitter. Criteria: Ambry Variant Classification Scheme 2023. Collection method: clinical testing. Allele origin: germline.

Labcorp Genetics (formerly Invitae), Labcorp
Classification: Uncertain significance for Neuroblastoma, susceptibility to, 3. Last evaluated: 2023-01-13. Review status: criteria provided, single submitter. Criteria: Invitae Variant Classification Sherloc (09022015). Collection method: clinical testing. Allele origin: germline.
Comment: Algorithms developed to predict the effect of missense changes on protein structure and function are either unavailable or do not agree on the potential impact of this missense change (SIFT: "Deleterious"; PolyPhen-2: "Benign"; Align-GVGD: "Class C0"). In summary, the available evidence is currently insufficient to determine the role of this variant in disease. Therefore, it has been classified as a Variant of Uncertain Significance. ClinVar contains an entry for this variant (Variation ID: 470871). This variant has not been reported in the literature in individuals affected with ALK-related conditions. This variant is not present in population databases (gnomAD no frequency). This sequence change replaces serine, which is neutral and polar, with phenylalanine, which is neutral and non-polar, at codon 1448 of the ALK protein (p.Ser1448Phe).

Laboratory of Molecular Epidemiology of Birth Defects, West China Second University Hospital, Sichuan University
Classification: Benign for Ovarian cancer. Last evaluated: 2022-01-01. Review status: criteria provided, single submitter. Criteria: ACMG Guidelines, 2015. Collection method: clinical testing. Allele origin: germline. Affected: yes.